The following is an entry in ClinVar:

ClinVar aggregate classification (germline): Uncertain significance. Review status: criteria provided, multiple submitters, no conflicts (2 of 4 stars). 2 submissions from 2 submitters: Uncertain significance (2). Last evaluated 2025-05-15.

Conditions:
RIN2-related disorder. Also called: RIN2-related condition.

Submissions (2):

PreventionGenetics, part of Exact Sciences
Classification: Uncertain significance for RIN2-related condition. Last evaluated: 2025-05-15. Review status: criteria provided, single submitter. Criteria: ACMG Guidelines, 2015. Collection method: clinical testing. Allele origin: germline.
Comment: The RIN2 c.946G>A variant is predicted to result in the amino acid substitution p.Gly316Arg. To our knowledge, this variant has not been reported in the literature. This variant is reported in 0.017% of alleles in individuals of Latino descent in gnomAD. At this time, the clinical significance of this variant is uncertain due to the absence of conclusive functional and genetic evidence.

Labcorp Genetics (formerly Invitae), Labcorp
Classification: Uncertain significance. Last evaluated: 2022-08-03. Review status: criteria provided, single submitter. Criteria: Invitae Variant Classification Sherloc (09022015). Collection method: clinical testing. Allele origin: germline.
Comment: This sequence change replaces glycine, which is neutral and non-polar, with arginine, which is basic and polar, at codon 267 of the RIN2 protein (p.Gly267Arg). This variant is present in population databases (no rsID available, gnomAD 0.02%). This variant has not been reported in the literature in individuals affected with RIN2-related conditions. Algorithms developed to predict the effect of missense changes on protein structure and function are either unavailable or do not agree on the potential impact of this missense change (SIFT: "Deleterious"; PolyPhen-2: "Not Available"; Align-GVGD: "Class C0"). In summary, the available evidence is currently insufficient to determine the role of this variant in disease. Therefore, it has been classified as a Variant of Uncertain Significance.

NM_018993.4(RIN2):c.799G>A (p.Gly267Arg)

Gene: RIN2 (Ras and Rab interactor 2; plus strand). Cytogenetic location: 20p11.23.
Variant type: single nucleotide variant.
Coding change: c.799G>A on transcript NM_018993.4 (MANE Select); coding-DNA position 799, G replaced by A.
Protein change: p.Gly267Arg; replaces glycine 267 with arginine.
Molecular consequence: missense variant.
Genome position (GRCh38, 1-based): chr20:19,974,824, G>A. VCF-style: chr20-19974824-G-A. GRCh37 (hg19) VCF-style: chr20-19955468-G-A.
Other names: c.946G>A, p.Gly316Arg (NM_001242581.2); c.181G>A, p.Gly61Arg (NM_001378238.1); c.946G>A (NM_001242581.1); short protein forms G267R, G316R, G61R.
Identifiers: ClinVar variation 2164968 (VCV002164968.2), dbSNP rs766561913, ClinGen allele CA408360995.
Genomic context (GRCh38, chr20:19,974,824, plus strand): 5'-AATGGAGTGCATTCTATCAAAACCAGGACGCCTTCAGAGCTGGAGTGCAGCCAGACCAAC[G>A]GGGCCCTGTGCTTTATTAATCCCCTTTTCTTGAAAGTGCACAGCCAGGACCTCAGTGGAG-3'
Protein context (NP_061866.1, residues 257-277): PSELECSQTN[Gly267Arg]ALCFINPLFL